The following is an entry in ClinVar:

NM_201384.3(PLEC):c.2384A>G (p.Lys795Arg)

Gene: PLEC (plectin; minus strand). Cytogenetic location: 8q24.3.
Variant type: single nucleotide variant.
Coding change: c.2384A>G on transcript NM_201384.3 (MANE Select); coding-DNA position 2384, A replaced by G.
Protein change: p.Lys795Arg; replaces lysine 795 with arginine.
Molecular consequence: missense variant.
Genome position (GRCh38, 1-based): chr8:143,930,457, T>C on the plus strand (A>G on the coding strand, the complement: PLEC is on the minus strand). VCF-style: chr8-143930457-T-C. GRCh37 (hg19) VCF-style: chr8-145004625-T-C.
Other names: c.2465A>G, p.Lys822Arg (NM_000445.5, NM_001410941.1); c.2342A>G, p.Lys781Arg (NM_201378.4); c.2318A>G, p.Lys773Arg (NM_201379.3); c.2795A>G, p.Lys932Arg (NM_201380.4); c.2288A>G, p.Lys763Arg (NM_201381.3); c.2384A>G, p.Lys795Arg (NM_201382.4); c.2396A>G, p.Lys799Arg (NM_201383.3); short protein forms K763R, K773R, K781R, K795R, K799R, K822R, K932R.
Identifiers: ClinVar variation 3750473 (VCV003750473.2).

ClinVar aggregate classification (germline): Uncertain significance (1 of 4 stars; one submission).

Conditions:
Epidermolysis bullosa simplex with nail dystrophy (EBS5D). Identifiers: MedGen C4225309, MONDO:0014661, OMIM 616487.
Autosomal recessive limb-girdle muscular dystrophy type 2Q (LGMDR17). Also called: MUSCULAR DYSTROPHY, LIMB-GIRDLE, AUTOSOMAL RECESSIVE 17. Identifiers: Orphanet 254361, MedGen C3150989, MONDO:0013390, OMIM 613723.
Epidermolysis bullosa simplex 5B, with muscular dystrophy (EBS5B). Also called: Epidermolysis bullosa simplex with muscular dystrophy; EPIDERMOLYSIS BULLOSA SIMPLEX AND LIMB-GIRDLE MUSCULAR DYSTROPHY. Identifiers: Orphanet 257, MedGen C2931072, MONDO:0009181, OMIM 226670.
Epidermolysis bullosa simplex 5C, with pyloric atresia (EBS5C). Also called: PLEC-Related Epidermolysis Bullosa with Pyloric Atresia; Epidermolysis bullosa simplex with pyloric atresia; PLEC1-Related Epidermolysis Bullosa with Pyloric Atresia. Identifiers: Orphanet 158684, MedGen C2677349, MONDO:0012807, OMIM 612138.
Epidermolysis bullosa simplex, Ogna type (EBS5A). Also called: Pidermolysis bullosa simplex 5A, Ogna type; EPIDERMOLYSIS BULLOSA SIMPLEX 5A, OGNA TYPE. Identifiers: Orphanet 79401, MedGen C0432317, MONDO:0007555, OMIM 131950.

Submission:

Labcorp Genetics (formerly Invitae), Labcorp
Classification: Uncertain significance for Autosomal recessive limb-girdle muscular dystrophy type 2Q; Epidermolysis bullosa simplex, Ogna type; Epidermolysis bullosa simplex with nail dystrophy; Epidermolysis bullosa simplex 5C, with pyloric atresia; Epidermolysis bullosa simplex 5B, with muscular dystrophy. Last evaluated: 2024-07-30. Review status: criteria provided, single submitter. Criteria: Invitae Variant Classification Sherloc (09022015). Collection method: clinical testing. Allele origin: germline.
Comment: This sequence change replaces lysine, which is basic and polar, with arginine, which is basic and polar, at codon 822 of the PLEC protein (p.Lys822Arg). This variant is not present in population databases (gnomAD no frequency). This variant has not been reported in the literature in individuals affected with PLEC-related conditions. Advanced modeling of protein sequence and biophysical properties (such as structural, functional, and spatial information, amino acid conservation, physicochemical variation, residue mobility, and thermodynamic stability) has been performed at Invitae for this missense variant, however the output from this modeling did not meet the statistical confidence thresholds required to predict the impact of this variant on PLEC protein function. In summary, the available evidence is currently insufficient to determine the role of this variant in disease. Therefore, it has been classified as a Variant of Uncertain Significance.